The following is an entry in ClinVar:

ClinVar aggregate classification (germline): Likely benign. Review status: criteria provided, multiple submitters, no conflicts (2 of 4 stars). 3 submissions from 3 submitters: Likely benign (3). Last evaluated 2025-08-01.

Conditions:
Hereditary cancer-predisposing syndrome. Also called: Tumor predisposition; Hereditary neoplastic syndrome; Hereditary Cancer Syndrome; Neoplastic Syndromes, Hereditary. Identifiers: Orphanet 140162, MedGen C0027672, MeSH D009386, MONDO:0015356.
Gorlin syndrome. Also called: Nevoid Basal Cell Carcinoma Syndrome; Basal cell nevus syndrome. Identifiers: Orphanet 377, MedGen C0004779, MONDO:0007187.

Allele frequency attached by ClinVar (database versions not stated): ExAC 0.00002; TOPMed 0.00002; gnomAD 0.00006; ESP Exome Variant Server 0.00015; gnomAD exomes below 0.00001 and 0.00001.
gnomAD v4.1: 8 of 1,613,966 alleles (0.0005%); highest among the groups gnomAD compares: East Asian, 0.0045%; no homozygotes.

Submissions (3):

CeGaT Center for Human Genetics Tuebingen
Classification: Likely benign. Last evaluated: 2025-08-01. Review status: criteria provided, single submitter. Criteria: CeGaT Center For Human Genetics Tuebingen Variant Classification Criteria Version 2. Collection method: clinical testing. Allele origin: germline. Affected: yes. Observed: 1 variant allele.
Comment: PTCH1: BP4, BP7

Labcorp Genetics (formerly Invitae), Labcorp
Classification: Likely benign for Gorlin syndrome. Last evaluated: 2025-03-30. Review status: criteria provided, single submitter. Criteria: Invitae Variant Classification Sherloc (09022015). Collection method: clinical testing. Allele origin: germline.

Ambry Genetics
Classification: Likely benign for Hereditary cancer-predisposing syndrome. Last evaluated: 2020-11-25. Review status: criteria provided, single submitter. Criteria: Ambry Variant Classification Scheme 2023. Collection method: clinical testing. Allele origin: germline.

NM_000264.5(PTCH1):c.4311C>T (p.Cys1437=)

Gene: PTCH1 (patched 1; minus strand). Cytogenetic location: 9q22.32.
Variant type: single nucleotide variant.
Coding change: c.4311C>T on transcript NM_000264.5 (MANE Select); coding-DNA position 4311, C replaced by T.
Protein change: p.Cys1437=; no amino-acid change (cysteine 1437 retained).
Molecular consequence: synonymous variant. On other transcripts: non-coding transcript variant (1).
Genome position (GRCh38, 1-based): chr9:95,446,945, G>A on the plus strand (C>T on the coding strand, the complement: PTCH1 is on the minus strand). VCF-style: chr9-95446945-G-A. GRCh37 (hg19) VCF-style: chr9-98209227-G-A.
Other names: c.4113C>T, p.Cys1371= (NM_001083602.3); c.4308C>T, p.Cys1436= (NM_001083603.3); c.3858C>T, p.Cys1286= (NM_001083604.3, NM_001083605.3, NM_001083606.3 and 1 more transcripts); c.4155C>T, p.Cys1385= (NM_001354918.2).
Identifiers: ClinVar variation 409200 (VCV000409200.21), dbSNP rs368571026, ClinGen allele CA5137900.
Genomic context (GRCh38, chr9:95,446,945, plus strand): 5'-TGGCTGCCCTTGTCAGTGGCACTCACCTCAGTTGGAGCTGCTTCCCCGGGGCCTCTCCTC[G>A]CATTCCACGTCCTGCAGCTCAATGACTTCCACCTTCGAATCCCTCCTCTCACACCGGACG-3'
Protein context (NP_000255.2, residues 1427-1447): VEVIELQDVE[Cys1437=]EERPRGSSSN